The following is an entry in ClinVar:

ClinVar aggregate classification (germline): Uncertain significance (1 of 4 stars; one submission).

Submission:

Ambry Genetics
Classification: Uncertain significance. Last evaluated: 2022-04-22. Review status: criteria provided, single submitter. Criteria: Ambry Variant Classification Scheme 2023. Collection method: clinical testing. Allele origin: germline.
Comment: The p.N233K variant (also known as c.699C>G), located in coding exon 7 of the PRKDC gene, results from a C to G substitution at nucleotide position 699. The asparagine at codon 233 is replaced by lysine, an amino acid with similar properties. This amino acid position is conserved. In addition, this alteration is predicted to be tolerated by in silico analysis. Since supporting evidence is limited at this time, the clinical significance of this alteration remains unclear.

NM_006904.7(PRKDC):c.699C>G (p.Asn233Lys)

Gene: PRKDC (protein kinase, DNA-activated, catalytic subunit; minus strand). Cytogenetic location: 8q11.21.
Variant type: single nucleotide variant.
Coding change: c.699C>G on transcript NM_006904.7 (MANE Select); coding-DNA position 699, C replaced by G.
Protein change: p.Asn233Lys; replaces asparagine 233 with lysine.
Molecular consequence: missense variant.
Genome position (GRCh38, 1-based): chr8:47,953,642, G>C on the plus strand (C>G on the coding strand, the complement: PRKDC is on the minus strand). VCF-style: chr8-47953642-G-C. GRCh37 (hg19) VCF-style: chr8-48866202-G-C.
Other names: c.699C>G, p.Asn233Lys (NM_001081640.2); short protein forms N233K.
Identifiers: ClinVar variation 1756505 (VCV001756505.2), dbSNP rs2551881733, ClinGen allele CA371138235.